The following is an entry in ClinVar:

ClinVar aggregate classification (germline): Uncertain significance. Review status: criteria provided, multiple submitters, no conflicts (2 of 4 stars). 2 submissions from 2 submitters: Uncertain significance (2). Last evaluated 2025-06-03.

Allele frequency attached by ClinVar (database versions not stated): gnomAD exomes below 0.00001.
gnomAD v4.1: 1 of 1,604,550 alleles (0.000062%); highest among the groups gnomAD compares: Non-Finnish European, 0.000085%; no homozygotes.

Submissions (2):

Ambry Genetics
Classification: Uncertain significance. Last evaluated: 2025-06-03. Review status: criteria provided, single submitter. Criteria: Ambry Variant Classification Scheme 2023. Collection method: clinical testing. Allele origin: germline.

Labcorp Genetics (formerly Invitae), Labcorp
Classification: Uncertain significance. Last evaluated: 2023-08-24. Review status: criteria provided, single submitter. Criteria: Invitae Variant Classification Sherloc (09022015). Collection method: clinical testing. Allele origin: germline.
Comment: In summary, the available evidence is currently insufficient to determine the role of this variant in disease. Therefore, it has been classified as a Variant of Uncertain Significance. An algorithm developed to predict the effect of missense changes on protein structure and function (PolyPhen-2) suggests that this variant is likely to be tolerated. ClinVar contains an entry for this variant (Variation ID: 1966931). This variant has not been reported in the literature in individuals affected with RUSC2-related conditions. This variant is present in population databases (no rsID available, gnomAD 0.0009%). This sequence change replaces threonine, which is neutral and polar, with arginine, which is basic and polar, at codon 162 of the RUSC2 protein (p.Thr162Arg).

NM_014806.5(RUSC2):c.485C>G (p.Thr162Arg)

Gene: RUSC2 (RUN and SH3 domain containing 2; plus strand). Cytogenetic location: 9p13.3.
Variant type: single nucleotide variant.
Coding change: c.485C>G on transcript NM_014806.5 (MANE Select); coding-DNA position 485, C replaced by G.
Protein change: p.Thr162Arg; replaces threonine 162 with arginine.
Molecular consequence: missense variant. On other transcripts: non-coding transcript variant (1), intron variant (1).
Genome position (GRCh38, 1-based): chr9:35,547,006, C>G. VCF-style: chr9-35547006-C-G. GRCh37 (hg19) VCF-style: chr9-35547003-C-G.
Other names: c.485C>G, p.Thr162Arg (NM_001135999.2); c.-620-8054C>G (NM_001330740.2); c.485C>G (NM_001135999.1); short protein forms T162R.
Identifiers: ClinVar variation 1966931 (VCV001966931.6), dbSNP rs1290710467, ClinGen allele CA373327325.